The following is an entry in ClinVar:

ClinVar aggregate classification (germline): Uncertain significance (1 of 4 stars; one submission).

Conditions:
Hereditary pancreatitis (PCTT). Also called: Hereditary chronic pancreatitis; PRSS1-Related Hereditary Pancreatitis. Identifiers: Orphanet 676, MedGen C0238339, MONDO:0008185, OMIM 167800.

Allele frequency attached by ClinVar (database versions not stated): gnomAD exomes below 0.00001; TOPMed below 0.00001; ExAC 0.00001.
gnomAD v4.1: 6 of 1,614,070 alleles (0.00037%); highest among the groups gnomAD compares: Middle Eastern, 0.033%; no homozygotes.

Submission:

Ambry Genetics
Classification: Uncertain significance for Hereditary pancreatitis. Last evaluated: 2025-07-12. Review status: criteria provided, single submitter. Criteria: Ambry Variant Classification Scheme 2023. Collection method: clinical testing. Allele origin: germline.
Comment: The p.T253A variant (also known as c.757A>G), located in coding exon 7 of the CTRC gene, results from an A to G substitution at nucleotide position 757. The threonine at codon 253 is replaced by alanine, an amino acid with similar properties. This amino acid position is highly conserved in available vertebrate species. In addition, this alteration is predicted to be deleterious by in silico analysis. Since supporting evidence is limited at this time, the clinical significance of this alteration remains unclear.

NM_007272.3(CTRC):c.757A>G (p.Thr253Ala)

Gene: CTRC (chymotrypsin C; plus strand). Cytogenetic location: 1p36.21.
Variant type: single nucleotide variant.
Coding change: c.757A>G on transcript NM_007272.3 (MANE Select); coding-DNA position 757, A replaced by G.
Protein change: p.Thr253Ala; replaces threonine 253 with alanine.
Molecular consequence: missense variant.
Genome position (GRCh38, 1-based): chr1:15,445,714, A>G. VCF-style: chr1-15445714-A-G. GRCh37 (hg19) VCF-style: chr1-15772209-A-G.
Other names: short protein forms T253A.
Identifiers: ClinVar variation 1759599 (VCV001759599.5), dbSNP rs757062706, ClinGen allele CA613461.